The following is an entry in ClinVar:

ClinVar aggregate classification (germline): Likely benign (0 of 4 stars; one submission).

Conditions:
TSHZ3-related disorder. Also called: TSHZ3-related condition.

Allele frequency attached by ClinVar (database versions not stated): TOPMed 0.00006; gnomAD 0.00025; gnomAD exomes 0.00037; 1000 Genomes Project 30x 0.00078; ExAC 0.00099; 1000 Genomes Project 0.00100.
gnomAD v4.1: 587 of 1,613,108 alleles (0.036%); highest among the groups gnomAD compares: South Asian, 0.6%; 13 homozygotes.

Submission:

PreventionGenetics, part of Exact Sciences
Classification: Likely benign for TSHZ3-related condition. Last evaluated: 2019-03-26. Review status: no assertion criteria provided. Collection method: clinical testing. Allele origin: germline.
Comment: This variant is classified as likely benign based on ACMG/AMP sequence variant interpretation guidelines (Richards et al. 2015 PMID: 25741868, with internal and published modifications).

NM_020856.4(TSHZ3):c.1758G>A (p.Thr586=)

Gene: TSHZ3 (teashirt zinc finger homeobox 3; minus strand). Cytogenetic location: 19q12.
Variant type: single nucleotide variant.
Coding change: c.1758G>A on transcript NM_020856.4 (MANE Select); coding-DNA position 1758, G replaced by A.
Protein change: p.Thr586=; no amino-acid change (threonine 586 retained).
Molecular consequence: synonymous variant.
Genome position (GRCh38, 1-based): chr19:31,278,035, C>T on the plus strand (G>A on the coding strand, the complement: TSHZ3 is on the minus strand). VCF-style: chr19-31278035-C-T. GRCh37 (hg19) VCF-style: chr19-31768941-C-T.
Identifiers: ClinVar variation 3051527 (VCV003051527.2), dbSNP rs540753819, ClinGen allele CA9354224.
Genomic context (GRCh38, chr19:31,278,035, plus strand): 5'-GTTTGTCTTGGGCATGGGGGACGTCTGGCTGCTGGGTGGAGAGACCAGGGTCTGGTTTTT[C>T]GTCGGGGAGACAATCTCACTGTTGCCAAACATGGGTTTCAGGGGCGTGCTCTTCCCCGAC-3'
Protein context (NP_065907.2, residues 576-596): MFGNSEIVSP[Thr586=]KNQTLVSPPS